The following is an entry in ClinVar:

NM_001267550.2(TTN):c.4967C>T (p.Pro1656Leu)

Gene: TTN (titin; minus strand). Cytogenetic location: 2q31.2.
Variant type: single nucleotide variant.
Coding change: c.4967C>T on transcript NM_001267550.2 (MANE Select); coding-DNA position 4967, C replaced by T.
Protein change: p.Pro1656Leu; replaces proline 1656 with leucine.
Molecular consequence: missense variant.
Genome position (GRCh38, 1-based): chr2:178,776,897, G>A on the plus strand (C>T on the coding strand, the complement: TTN is on the minus strand). VCF-style: chr2-178776897-G-A. GRCh37 (hg19) VCF-style: chr2-179641624-G-A.
Other names: c.4967C>T, p.Pro1656Leu (NM_001256850.1, NM_133378.4, NM_133379.5); c.4829C>T, p.Pro1610Leu (NM_003319.4, NM_133432.3, NM_133437.4); short protein forms P1610L, P1656L.
Identifiers: ClinVar variation 1743399 (VCV001743399.27), dbSNP rs532771047, ClinGen allele CA2005240.

ClinVar aggregate classification (germline): Uncertain significance. Review status: criteria provided, multiple submitters, no conflicts (2 of 4 stars). 3 submissions from 3 submitters: Uncertain significance (3). Last evaluated 2024-07-30.

Conditions:
Cardiovascular phenotype. Identifiers: MedGen CN230736.

Allele frequency attached by ClinVar (database versions not stated): gnomAD exomes below 0.00001; TOPMed below 0.00001; ExAC 0.00001; gnomAD 0.00001; 1000 Genomes Project 30x 0.00016; 1000 Genomes Project 0.00020.
gnomAD v4.1: 6 of 1,613,112 alleles (0.00037%); highest among the groups gnomAD compares: South Asian, 0.0066%; no homozygotes.

Submissions (3):

Revvity Omics, Revvity
Classification: Uncertain significance. Last evaluated: 2024-07-30. Review status: criteria provided, single submitter. Criteria: ACMG Guidelines, 2015. Collection method: clinical testing. Allele origin: germline.

CeGaT Center for Human Genetics Tuebingen
Classification: Uncertain significance. Last evaluated: 2023-09-01. Review status: criteria provided, single submitter. Criteria: CeGaT Center For Human Genetics Tuebingen Variant Classification Criteria Version 2. Collection method: clinical testing. Allele origin: germline. Affected: yes. Observed: 1 variant allele.
Comment: TTN: PM2

Ambry Genetics
Classification: Uncertain significance for Cardiovascular phenotype. Last evaluated: 2020-05-27. Review status: criteria provided, single submitter. Criteria: Ambry Variant Classification Scheme 2023. Collection method: clinical testing. Allele origin: germline.
Comment: The p.P1610L variant (also known as c.4829C>T), located in coding exon 26 of the TTN gene, results from a C to T substitution at nucleotide position 4829. The proline at codon 1610 is replaced by leucine, an amino acid with similar properties. This amino acid position is well conserved in available vertebrate species. In addition, this alteration is predicted to be tolerated by in silico analysis. Since supporting evidence is limited at this time, the clinical significance of this alteration remains unclear.